The following is an entry in ClinVar:

ClinVar aggregate classification (germline): Likely benign (1 of 4 stars; one submission).

Submission:

Women's Health and Genetics/Laboratory Corporation of America, LabCorp
Classification: Likely benign. Last evaluated: 2026-04-09. Review status: criteria provided, single submitter. Criteria: LabCorp Variant Classification Summary - May 2015. Collection method: clinical testing. Allele origin: germline.
Comment: Variant summary: PSMB8 c.220_222delinsTCA (p.Thr74Ser) is part of a multinucleotide combination of 6-32810792-G-T (c.222C>A, p.Thr74=) and 6-32810794-T-A (c.220A>T, p.Thr74Ser) that results in a conservative amino acid change in the encoded protein sequence. Algorithms developed to predict the effects of missense changes on protein structure and function are either unavailable or disagree on the potential impact of this missense change. The variant allele was found at a frequency of 0.0031 in 1613054 control chromosomes in the gnomAD database, including 63 homozygotes. The observed variant frequency exceeds the estimated maximal expected allele frequency for disease-causing variants in PSMB8. c.220_222delinsTCA has been observed in individuals affected with autoinflammatory conditions, without evidence for causality (e.g. Sozeri_2021, Papa_2020, Alexeeva_2023). These reports do not provide unequivocal conclusions about the association of the variant with Proteasome-associated autoinflammatory syndrome 1. To our knowledge, no experimental evidence demonstrating an impact on protein function has been reported. The following publications have been ascertained in the context of this evaluation (PMID: 38034538, 31325311, 33165748). No submitters have cited clinical significance assessments for this variant in ClinVar. Based on the evidence outlined above, the variant was classified as likely benign.

Literature cited by the submitters: PubMed 38034538; PubMed 33165748; PubMed 31325311.

NM_148919.4(PSMB8):c.220_222delinsTCA (p.Thr74Ser)

Gene: PSMB8 (proteasome 20S subunit beta 8; minus strand). Cytogenetic location: 6p21.32.
Variant type: Indel.
Coding change: c.220_222delinsTCA on transcript NM_148919.4 (MANE Select); coding-DNA positions 220 to 222, ACC replaced by TCA.
Protein change: p.Thr74Ser; replaces threonine 74 with serine.
Molecular consequence: missense variant.
Genome position (GRCh38, 1-based): chr6:32,843,015-32,843,017, GGT replaced by TGA on the plus strand (ACC replaced by TCA on the coding strand, the reverse complement: PSMB8 is on the minus strand). VCF-style: chr6-32843015-GGT-TGA. GRCh37 (hg19) VCF-style: chr6-32810792-GGT-TGA.
Other names: c.208_210delinsTCA, p.Thr70Ser (NM_004159.5); short protein forms T70S, T74S.
Identifiers: ClinVar variation 4848707 (VCV004848707.1).